The following is an entry in ClinVar:

ClinVar aggregate classification (germline): Likely pathogenic (1 of 4 stars; one submission).

Conditions:
Familial dysautonomia. Also called: HSAN III; FD. Identifiers: Orphanet 1764, MedGen C0013364, MONDO:0009131, OMIM 223900. Disease mechanism: loss of function.

Submission:

Natera, Inc.
Classification: Likely pathogenic for Familial dysautonomia. Last evaluated: 2024-12-27. Review status: criteria provided, single submitter. Criteria: Natera Variant Classification Schema (03/2026). Collection method: clinical testing. Allele origin: germline.
Comment: The c.2730delA variant in ELP1 is a frameshift variant predicted to shift the reading frame beginning at codon 911 and leads to a stop codon 26 codons downstream. This variant is expected to result in nonsense mediated decay, truncation, or a dysfunctional protein product. This variant is rare in the general population with a frequency below the threshold expected for the associated phenotype(s). Given the available evidence, this variant is classified as Likely Pathogenic.

NM_003640.5(ELP1):c.2730del (p.Gln911fs)

Gene: ELP1 (elongator acetyltransferase complex subunit 1; minus strand). Cytogenetic location: 9q31.3.
Variant type: Deletion.
Coding change: c.2730del on transcript NM_003640.5 (MANE Select); coding-DNA position 2730, one base deleted (A; older notation c.2730delA).
Protein change: p.Gln911fs; shifts the reading frame from glutamine 911.
Molecular consequence: frameshift variant.
Genome position (GRCh38, 1-based): chr9:108,896,502, T deleted on the plus strand (A on the coding strand, the reverse complement: ELP1 is on the minus strand). VCF-style (leftmost placement, unchanged base first): chr9-108896501-GT-G. GRCh37 (hg19) VCF-style: chr9-111658781-GT-G.
Other names: c.2388del, p.Gln797fs (NM_001318360.2); c.1683del, p.Gln562fs (NM_001330749.2); short protein forms Q562fs, Q797fs, Q911fs.
Identifiers: ClinVar variation 4815203 (VCV004815203.1).